The following is an entry in ClinVar:

NM_000135.4(FANCA):c.4273C>G (p.Arg1425Gly)

Genes: ZNF276 (zinc finger protein 276; plus strand), FANCA (FA complementation group A; minus strand). Cytogenetic location: 16q24.3.
Variant type: single nucleotide variant.
Coding change: c.4273C>G on transcript NM_000135.4 (MANE Select); coding-DNA position 4273, C replaced by G.
Protein change: p.Arg1425Gly; replaces arginine 1425 with glycine.
Molecular consequence: missense variant. On other transcripts: 3 prime UTR variant (3), non-coding transcript variant (4).
Genome position (GRCh38, 1-based): chr16:89,738,696, G>C on the plus strand (C>G on the coding strand, the complement: FANCA is on the minus strand). VCF-style: chr16-89738696-G-C. GRCh37 (hg19) VCF-style: chr16-89805104-G-C.
Other names: c.*2C>G (NM_001286167.3); c.*450G>C (NM_001113525.2, NM_152287.4); short protein forms R1425G.
Identifiers: ClinVar variation 456129 (VCV000456129.14), dbSNP rs587778321, ClinGen allele CA8250593.
Genomic context (GRCh38, chr16:89,738,696, plus strand): 5'-CAGGGGCAGCCTGCTGTCTGCTCTGGAGGGCGGCGCTCACCTCTGGGTCGCAGTCCCCAC[G>C]ATCAGCCAGCAGCTGTGAGAGAGGAGCAGGTCCTCAGCCCATGCCGCCCACTAGGCCTCA-3'
Protein context (NP_000126.2, residues 1415-1435): FSHVAELLAD[Arg1425Gly]GDCDPEVSAA

ClinVar aggregate classification (germline): Uncertain significance. Review status: criteria provided, multiple submitters, no conflicts (2 of 4 stars). 4 submissions from 4 submitters: Uncertain significance (3). 1 of the submissions does not count toward it. Last evaluated 2024-12-08.

Conditions:
Inborn genetic diseases. Identifiers: MedGen C0950123, MeSH D030342.
Fanconi anemia (FA). Also called: Fanconi's anemia. Identifiers: Orphanet 84, MedGen C0015625, MeSH D005199, MONDO:0019391.
Fanconi anemia complementation group A (FANCA). Also called: Fanconi anemia, group A; FANCA-Related Fanconi Anemia. Identifiers: Orphanet 84, MedGen C3469521, MONDO:0009215, OMIM 227650.

Allele frequency attached by ClinVar (database versions not stated): TOPMed 0.00001.
gnomAD v4.1: 7 of 1,613,766 alleles (0.00043%); highest among the groups gnomAD compares: Admixed American, 0.0033%; no homozygotes.

Submissions (4):

Ambry Genetics
Classification: Uncertain significance for Inborn genetic diseases. Last evaluated: 2024-12-08. Review status: criteria provided, single submitter. Criteria: Ambry Variant Classification Scheme 2023. Collection method: clinical testing. Allele origin: germline.
Comment: The p.R1425G variant (also known as c.4273C>G), located in coding exon 43 of the FANCA gene, results from a C to G substitution at nucleotide position 4273. The arginine at codon 1425 is replaced by glycine, an amino acid with dissimilar properties. This amino acid position is conserved. In addition, this alteration is predicted to be tolerated by in silico analysis. Based on the available evidence, the clinical significance of this variant remains unclear.

Fulgent Genetics
Classification: Uncertain significance for Fanconi anemia complementation group A. Last evaluated: 2024-03-13. Review status: criteria provided, single submitter. Criteria: ACMG Guidelines, 2015. Collection method: clinical testing. Allele origin: germline.

Labcorp Genetics (formerly Invitae), Labcorp
Classification: Uncertain significance for Fanconi anemia. Last evaluated: 2022-06-14. Review status: criteria provided, single submitter. Criteria: Invitae Variant Classification Sherloc (09022015). Collection method: clinical testing. Allele origin: germline.
Comment: This sequence change replaces arginine, which is basic and polar, with glycine, which is neutral and non-polar, at codon 1425 of the FANCA protein (p.Arg1425Gly). This variant is present in population databases (rs587778321, gnomAD 0.006%). This variant has not been reported in the literature in individuals affected with FANCA-related conditions. ClinVar contains an entry for this variant (Variation ID: 456129). Advanced modeling of protein sequence and biophysical properties (such as structural, functional, and spatial information, amino acid conservation, physicochemical variation, residue mobility, and thermodynamic stability) performed at Invitae indicates that this missense variant is not expected to disrupt FANCA protein function. In summary, the available evidence is currently insufficient to determine the role of this variant in disease. Therefore, it has been classified as a Variant of Uncertain Significance.

Natera, Inc.
Classification: Uncertain significance for Fanconi anemia. Last evaluated: 2019-10-28. Review status: no assertion criteria provided. Collection method: clinical testing. Allele origin: germline. Not counted in ClinVar's aggregate classification.